The following is an entry in ClinVar:

NM_006208.3(ENPP1):c.2429dup (p.Leu810fs)

Gene: ENPP1 (ectonucleotide pyrophosphatase/phosphodiesterase 1; plus strand). Cytogenetic location: 6q23.2.
Variant type: Duplication.
Coding change: c.2429dup on transcript NM_006208.3 (MANE Select); coding-DNA position 2429, one base duplicated (T; older notation c.2429dupT).
Protein change: p.Leu810fs; shifts the reading frame from leucine 810.
Molecular consequence: frameshift variant.
Genome position (GRCh38, 1-based): chr6:131,885,048, T duplicated; the last of 2 consecutive T bases (chr6:131,885,047-131,885,048); duplicating either gives the same sequence. VCF-style (leftmost placement, unchanged base first): chr6-131885046-C-CT. GRCh37 (hg19) VCF-style: chr6-132206186-C-CT.
Other names: short protein forms L810fs.
Identifiers: ClinVar variation 1928268 (VCV001928268.5), dbSNP rs970617965, ClinGen allele CA147902956.

ClinVar aggregate classification (germline): Pathogenic (1 of 4 stars; one submission).

Submission:

Labcorp Genetics (formerly Invitae), Labcorp
Classification: Pathogenic. Last evaluated: 2022-06-13. Review status: criteria provided, single submitter. Criteria: Invitae Variant Classification Sherloc (09022015). Collection method: clinical testing. Allele origin: germline.
Comment: For these reasons, this variant has been classified as Pathogenic. This variant has not been reported in the literature in individuals affected with ENPP1-related conditions. This variant is not present in population databases (gnomAD no frequency). This sequence change creates a premature translational stop signal (p.Leu810Phefs*13) in the ENPP1 gene. It is expected to result in an absent or disrupted protein product. Loss-of-function variants in ENPP1 are known to be pathogenic (PMID: 12881724, 15605415, 16369898, 20016754, 20137773, 22539483).

Literature cited by the submitters: PubMed 12881724; PubMed 15605415; PubMed 16369898; PubMed 20016754; PubMed 20137773; PubMed 22539483.